The following is an entry in ClinVar:

ClinVar aggregate classification (germline): Uncertain significance (1 of 4 stars; one submission).

Conditions:
Gastrointestinal stromal tumor. Also called: Gastrointestinal stroma tumor; Gastrointestinal stromal tumor, somatic. Identifiers: Orphanet 44890, MedGen C0238198, MeSH D046152, MONDO:0011719, OMIM 606764, HP:0100723.

Submission:

Labcorp Genetics (formerly Invitae), Labcorp
Classification: Uncertain significance for Gastrointestinal stromal tumor. Last evaluated: 2024-08-03. Review status: criteria provided, single submitter. Criteria: Invitae Variant Classification Sherloc (09022015). Collection method: clinical testing. Allele origin: germline.
Comment: This sequence change replaces proline, which is neutral and non-polar, with serine, which is neutral and polar, at codon 278 of the PDGFRA protein (p.Pro278Ser). Information on the frequency of this variant in the gnomAD database is not available, as this variant may be reported differently in the database. This variant has not been reported in the literature in individuals affected with PDGFRA-related conditions. ClinVar contains an entry for this variant (Variation ID: 2024435). Experimental studies and prediction algorithms are not available or were not evaluated, and the functional significance of this variant is currently unknown. In summary, the available evidence is currently insufficient to determine the role of this variant in disease. Therefore, it has been classified as a Variant of Uncertain Significance.

NM_006206.6(PDGFRA):c.831_832delinsTT (p.Pro278Ser)

Gene: PDGFRA (platelet derived growth factor receptor alpha; plus strand). Cytogenetic location: 4q12.
Variant type: Indel.
Coding change: c.831_832delinsTT on transcript NM_006206.6 (MANE Select); coding-DNA positions 831 to 832, CC replaced by TT.
Protein change: p.Pro278Ser; replaces proline 278 with serine.
Molecular consequence: missense variant.
Genome position (GRCh38, 1-based): chr4:54,267,360-54,267,361, CC replaced by TT. VCF-style: chr4-54267360-CC-TT. GRCh37 (hg19) VCF-style: chr4-55133527-CC-TT.
Other names: c.831_832delinsTT, p.Pro278Ser (NM_001347827.2, NM_001347829.2); c.906_907delinsTT, p.Pro303Ser (NM_001347828.2); c.870_871delinsTT, p.Pro291Ser (NM_001347830.2); short protein forms P303S, P278S, P291S.
Identifiers: ClinVar variation 2024435 (VCV002024435.4), dbSNP rs2475453432, ClinGen allele CA2580071254.